The following is an entry in ClinVar:

ClinVar aggregate classification (germline): Benign. Review status: criteria provided, single submitter (1 of 4 stars). 2 submissions from 2 submitters: Benign (1). 1 of the submissions does not count toward it. Last evaluated 2026-01-27.

Conditions:
SLC7A9-related disorder. Also called: SLC7A9-related condition.

Allele frequency attached by ClinVar (database versions not stated): gnomAD exomes 0.00013; ExAC 0.00041; 1000 Genomes Project 0.00100; 1000 Genomes Project 30x 0.00125; gnomAD 0.00146; ESP Exome Variant Server 0.00154; TOPMed 0.00170.
gnomAD v4.1: 417 of 1,613,394 alleles (0.026%); highest among the groups gnomAD compares: African/African-American, 0.5%; 1 homozygote.

Submissions (2):

Labcorp Genetics (formerly Invitae), Labcorp
Classification: Benign. Last evaluated: 2026-01-27. Review status: criteria provided, single submitter. Criteria: Invitae Variant Classification Sherloc (09022015). Collection method: clinical testing. Allele origin: germline.

PreventionGenetics, part of Exact Sciences
Classification: Likely benign for SLC7A9-related condition. Last evaluated: 2019-09-09. Review status: no assertion criteria provided. Collection method: clinical testing. Allele origin: germline. Not counted in ClinVar's aggregate classification.
Comment: This variant is classified as likely benign based on ACMG/AMP sequence variant interpretation guidelines (Richards et al. 2015 PMID: 25741868, with internal and published modifications).

NM_014270.5(SLC7A9):c.573C>A (p.Ile191=)

Gene: SLC7A9 (solute carrier family 7 member 9; minus strand). Cytogenetic location: 19q13.11.
Variant type: single nucleotide variant.
Coding change: c.573C>A on transcript NM_014270.5 (MANE Select); coding-DNA position 573, C replaced by A.
Protein change: p.Ile191=; no amino-acid change (isoleucine 191 retained).
Molecular consequence: synonymous variant.
Genome position (GRCh38, 1-based): chr19:32,862,492, G>T on the plus strand (C>A on the coding strand, the complement: SLC7A9 is on the minus strand). VCF-style: chr19-32862492-G-T. GRCh37 (hg19) VCF-style: chr19-33353398-G-T.
Other names: c.573C>A, p.Ile191= (NM_001126335.2, NM_001243036.2); c.573C>A (NM_014270.4).
Identifiers: ClinVar variation 2042185 (VCV002042185.6), dbSNP rs61747604, ClinGen allele CA9358782.